The following is an entry in ClinVar:

NM_000532.5(PCCB):c.1202C>A (p.Thr401Lys)

Gene: PCCB (propionyl-CoA carboxylase subunit beta; plus strand). Cytogenetic location: 3q22.3.
Variant type: single nucleotide variant.
Coding change: c.1202C>A on transcript NM_000532.5 (MANE Select); coding-DNA position 1202, C replaced by A.
Protein change: p.Thr401Lys; replaces threonine 401 with lysine.
Molecular consequence: missense variant.
Genome position (GRCh38, 1-based): chr3:136,327,158, C>A. VCF-style: chr3-136327158-C-A. GRCh37 (hg19) VCF-style: chr3-136046000-C-A.
Other names: c.1262C>A, p.Thr421Lys (NM_001178014.2); short protein forms T401K, T421K.
Identifiers: ClinVar variation 2186847 (VCV002186847.1), dbSNP rs371610471, ClinGen allele CA312825.

ClinVar aggregate classification (germline): Uncertain significance (1 of 4 stars; one submission).

Conditions:
Propionic acidemia (PROP). Also called: GLYCINEMIA, KETOTIC; HYPERGLYCINEMIA WITH KETOACIDOSIS AND LEUKOPENIA; KETOTIC HYPERGLYCINEMIA. Identifiers: Orphanet 35, MedGen C0268579, MONDO:0011628, OMIM 606054, HP:0003571.

Submission:

Labcorp Genetics (formerly Invitae), Labcorp
Classification: Uncertain significance for Propionic acidemia. Last evaluated: 2022-07-27. Review status: criteria provided, single submitter. Criteria: Invitae Variant Classification Sherloc (09022015). Collection method: clinical testing. Allele origin: germline.
Comment: This sequence change replaces threonine, which is neutral and polar, with lysine, which is basic and polar, at codon 401 of the PCCB protein (p.Thr401Lys). This variant is not present in population databases (gnomAD no frequency). This variant has not been reported in the literature in individuals affected with PCCB-related conditions. Algorithms developed to predict the effect of missense changes on protein structure and function are either unavailable or do not agree on the potential impact of this missense change (SIFT: "Deleterious"; PolyPhen-2: "Benign"; Align-GVGD: "Class C65"). In summary, the available evidence is currently insufficient to determine the role of this variant in disease. Therefore, it has been classified as a Variant of Uncertain Significance.